The following is an entry in ClinVar:

ClinVar aggregate classification (germline): Conflicting classifications of pathogenicity. Review status: criteria provided, conflicting classifications (1 of 4 stars). 2 submissions from 2 submitters: Likely pathogenic (1); Uncertain significance (1). Last evaluated 2026-04-14.

Conditions:
Progressive familial intrahepatic cholestasis type 2. Identifiers: Orphanet 79304, MedGen C3489789, MONDO:0011156, OMIM 601847.
Familial intrahepatic cholestasis. Identifiers: Orphanet 284385, MedGen CN296401, MONDO:0017290.

Submissions (2):

Genomenon, Inc
Classification: Uncertain significance for Familial intrahepatic cholestasis. Last evaluated: 2026-04-14. Review status: criteria provided, single submitter. Criteria: Genomenon Sequence Variant Interpretation Standards - Updated. Collection method: curation. Allele origin: germline. Affected: yes.
Comment: ABCB11 p.Ala535Asp (c.1604C>A) is a missense variant that changes the amino acid at residue 535 from Alanine to Aspartic acid. This variant has been observed in at least one proband with an ABCB11-related disorder (PMID:28039895). It is absent or not present at a significant frequency in gnomAD. In silico models predict that this variant is possibly or probably damaging. In conclusion, we classify ABCB11 p.Ala535Asp (c.1604C>A) as a variant of uncertain significance.

Genomic Medicine Center of Excellence, King Faisal Specialist Hospital and Research Centre
Classification: Likely pathogenic for Progressive familial intrahepatic cholestasis type 2. Last evaluated: 2024-03-25. Review status: criteria provided, single submitter. Criteria: ACMG Guidelines, 2015. Collection method: clinical testing. Allele origin: germline.

Literature cited by the submitters: PubMed 28039895 (cited by Genomenon, Inc).

NM_003742.4(ABCB11):c.1604C>A (p.Ala535Asp)

Gene: ABCB11 (ATP binding cassette subfamily B member 11; minus strand). Cytogenetic location: 2q31.1.
Variant type: single nucleotide variant.
Coding change: c.1604C>A on transcript NM_003742.4 (MANE Select); coding-DNA position 1604, C replaced by A.
Protein change: p.Ala535Asp; replaces alanine 535 with aspartic acid.
Molecular consequence: missense variant.
Genome position (GRCh38, 1-based): chr2:168,971,881, G>T on the plus strand (C>A on the coding strand, the complement: ABCB11 is on the minus strand). VCF-style: chr2-168971881-G-T. GRCh37 (hg19) VCF-style: chr2-169828391-G-T.
Other names: short protein forms A535D.
Identifiers: ClinVar variation 3064845 (VCV003064845.2), dbSNP rs2545389014, ClinGen allele CA349115405.